The following is an entry in ClinVar:

ClinVar aggregate classification (germline): Uncertain significance. Review status: criteria provided, multiple submitters, no conflicts (2 of 4 stars). 3 submissions from 3 submitters: Uncertain significance (2). 1 of the submissions does not count toward it. Last evaluated 2024-06-08.

Conditions:
Bardet-Biedl syndrome (BBS). Identifiers: Orphanet 110, MedGen C0752166, MONDO:0015229.
BBS4-related disorder. Also called: BBS4-related condition.
Bardet-Biedl syndrome 4 (BBS4). Identifiers: Orphanet 110, MedGen C2936864, MONDO:0014433, OMIM 615982.

Allele frequency attached by ClinVar (database versions not stated): TOPMed below 0.00001; ExAC 0.00001; gnomAD exomes 0.00001.
gnomAD v4.1: 19 of 1,614,078 alleles (0.0012%); highest among the groups gnomAD compares: Admixed American, 0.0017%; no homozygotes.

Submissions (4):

Fulgent Genetics
Classification: Uncertain significance for Bardet-Biedl syndrome 4. Last evaluated: 2024-06-08. Review status: criteria provided, single submitter. Criteria: ACMG Guidelines, 2015. Collection method: clinical testing. Allele origin: germline.

Labcorp Genetics (formerly Invitae), Labcorp
Classification: Uncertain significance for Bardet-Biedl syndrome. Last evaluated: 2022-01-06. Review status: criteria provided, single submitter. Criteria: Invitae Variant Classification Sherloc (09022015). Collection method: clinical testing. Allele origin: germline.
Comment: This sequence change falls in intron 14 of the BBS4 gene. It does not directly change the encoded amino acid sequence of the BBS4 protein. It affects a nucleotide within the consensus splice site. This variant is present in population databases (rs756449572, gnomAD 0.003%). This variant has not been reported in the literature in individuals affected with BBS4-related conditions. ClinVar contains an entry for this variant (Variation ID: 1004504). Variants that disrupt the consensus splice site are a relatively common cause of aberrant splicing (PMID: 17576681, 9536098). Algorithms developed to predict the effect of sequence changes on RNA splicing suggest that this variant may disrupt the consensus splice site. In summary, the available evidence is currently insufficient to determine the role of this variant in disease. Therefore, it has been classified as a Variant of Uncertain Significance.

PreventionGenetics, part of Exact Sciences
Classification: Likely benign for BBS4-related condition. Last evaluated: 2020-09-23. Review status: no assertion criteria provided. Collection method: clinical testing. Allele origin: germline. Not counted in ClinVar's aggregate classification.
Comment: This variant is classified as likely benign based on ACMG/AMP sequence variant interpretation guidelines (Richards et al. 2015 PMID: 25741868, with internal and published modifications).

Dr. Peter K. Rogan Lab, Western University
No classification provided (evidence only). Condition: Uterine corpus endometrial carcinoma. Review status: no classification provided. Collection method: in vitro. Allele origin: not applicable. Functional consequence: retained intron. Not counted in ClinVar's aggregate classification.

Literature cited by the submitters: PubMed 17576681 (cited by Labcorp Genetics (formerly Invitae), Labcorp); PubMed 9536098 (cited by Labcorp Genetics (formerly Invitae), Labcorp).

NM_033028.5(BBS4):c.1248+5G>A

Gene: BBS4 (Bardet-Biedl syndrome 4; plus strand). Cytogenetic location: 15q24.1.
Variant type: single nucleotide variant.
Coding change: c.1248+5G>A on transcript NM_033028.5 (MANE Select); 5 bases into the intron after coding-DNA position 1248, G replaced by A.
Molecular consequence: intron variant.
Genome position (GRCh38, 1-based): chr15:72,735,971, G>A. VCF-style: chr15-72735971-G-A. GRCh37 (hg19) VCF-style: chr15-73028312-G-A.
Other names: c.1248+5G>A (NM_033028.4); c.1179+5G>A (NM_001320665.2); c.732+5G>A (NM_001252678.2).
Identifiers: ClinVar variation 1004504 (VCV001004504.7), dbSNP rs756449572, ClinGen allele CA7646956.
Genomic context (GRCh38, chr15:72,735,971, plus strand): 5'-TGGAGAAGAAAGTCAGCCTACTCAAGGACAATAGCTCTCTGGAATTTGACTCTGAGGTAT[G>A]TCTTTTATTAGCTCCCAAGAGTCATAAGTAAGCTCTCAGGAGACTTTTAAAAATCAAGCC-3'